The following is an entry in ClinVar:

ClinVar aggregate classification (germline): Uncertain significance (1 of 4 stars; one submission).

Allele frequency attached by ClinVar (database versions not stated): gnomAD exomes below 0.00001; ExAC 0.00001.
gnomAD v4.1: 1 of 1,613,250 alleles (0.000062%); highest among the groups gnomAD compares: South Asian, 0.0011%; no homozygotes.

Submission:

Labcorp Genetics (formerly Invitae), Labcorp
Classification: Uncertain significance. Last evaluated: 2025-08-15. Review status: criteria provided, single submitter. Criteria: Invitae Variant Classification Sherloc (09022015). Collection method: clinical testing. Allele origin: germline.
Comment: This sequence change replaces histidine, which is basic and polar, with aspartic acid, which is acidic and polar, at codon 2210 of the CDH23 protein (p.His2210Asp). This variant is present in population databases (rs749845368, gnomAD 0.003%). This variant has not been reported in the literature in individuals affected with CDH23-related conditions. ClinVar contains an entry for this variant (Variation ID: 1351530). Invitae Evidence Modeling of protein sequence and biophysical properties (such as structural, functional, and spatial information, amino acid conservation, physicochemical variation, residue mobility, and thermodynamic stability) has been performed for this missense variant. However, the output from this modeling did not meet the statistical confidence thresholds required to predict the impact of this variant on CDH23 protein function. In summary, the available evidence is currently insufficient to determine the role of this variant in disease. Therefore, it has been classified as a Variant of Uncertain Significance.

NM_022124.6(CDH23):c.6628C>G (p.His2210Asp)

Gene: CDH23 (cadherin related 23; plus strand). Cytogenetic location: 10q22.1.
Variant type: single nucleotide variant.
Coding change: c.6628C>G on transcript NM_022124.6 (MANE Select); coding-DNA position 6628, C replaced by G.
Protein change: p.His2210Asp; replaces histidine 2210 with aspartic acid.
Molecular consequence: missense variant.
Genome position (GRCh38, 1-based): chr10:71,793,556, C>G. VCF-style: chr10-71793556-C-G. GRCh37 (hg19) VCF-style: chr10-73553313-C-G.
Other names: short protein forms H2210D.
Identifiers: ClinVar variation 1351530 (VCV001351530.8), dbSNP rs749845368, ClinGen allele CA5546132.